The following is an entry in ClinVar:

ClinVar aggregate classification (germline): Uncertain significance. Review status: criteria provided, multiple submitters, no conflicts (2 of 4 stars). 2 submissions from 2 submitters: Uncertain significance (2). Last evaluated 2025-12-01.

Conditions:
Inborn genetic diseases. Identifiers: MedGen C0950123, MeSH D030342.
Brachyolmia-amelogenesis imperfecta syndrome. Also called: Tooth agenesis, selective, 6; Dental anomalies and short stature; PLATYSPONDYLY WITH AMELOGENESIS IMPERFECTA. Identifiers: Orphanet 2899, MedGen C1832594, MONDO:0011018, OMIM 601216. Disease mechanism: loss of function.

gnomAD v4.1: 8 of 1,613,506 alleles (0.0005%); highest among the groups gnomAD compares: Non-Finnish European, 0.00068%; no homozygotes.

Submissions (2):

Labcorp Genetics (formerly Invitae), Labcorp
Classification: Uncertain significance for Brachyolmia-amelogenesis imperfecta syndrome. Last evaluated: 2025-12-01. Review status: criteria provided, single submitter. Criteria: Invitae Variant Classification Sherloc (09022015). Collection method: clinical testing. Allele origin: germline.
Comment: This sequence change replaces valine, which is neutral and non-polar, with leucine, which is neutral and non-polar, at codon 1035 of the LTBP3 protein (p.Val1035Leu). This variant is not present in population databases (gnomAD no frequency). This variant has not been reported in the literature in individuals affected with LTBP3-related conditions. ClinVar contains an entry for this variant (Variation ID: 1519287). An algorithm developed to predict the effect of missense changes on protein structure and function (PolyPhen-2) suggests that this variant is likely to be tolerated. In summary, the available evidence is currently insufficient to determine the role of this variant in disease. Therefore, it has been classified as a Variant of Uncertain Significance.

Ambry Genetics
Classification: Uncertain significance for Inborn genetic diseases. Last evaluated: 2025-09-01. Review status: criteria provided, single submitter. Criteria: Ambry Variant Classification Scheme 2023. Collection method: clinical testing. Allele origin: germline.

NM_001130144.3(LTBP3):c.3103G>T (p.Val1035Leu)

Genes: LTBP3 (latent transforming growth factor beta binding protein 3; minus strand), LOC121832793 (Sharpr-MPRA regulatory region 4001; plus strand). Cytogenetic location: 11q13.1.
Variant type: single nucleotide variant.
Coding change: c.3103G>T on transcript NM_001130144.3 (MANE Select); coding-DNA position 3103, G replaced by T.
Protein change: p.Val1035Leu; replaces valine 1035 with leucine.
Molecular consequence: missense variant.
Genome position (GRCh38, 1-based): chr11:65,540,489, C>A on the plus strand (G>T on the coding strand, the complement: LTBP3 is on the minus strand). VCF-style: chr11-65540489-C-A. GRCh37 (hg19) VCF-style: chr11-65307960-C-A.
Other names: c.2752G>T, p.Val918Leu (NM_001164266.1); c.3103G>T, p.Val1035Leu (NM_021070.4); c.3103G>T (NM_001130144.2); short protein forms V1035L, V918L.
Identifiers: ClinVar variation 1519287 (VCV001519287.7), dbSNP rs200797100, ClinGen allele CA381267648.